The following is an entry in ClinVar:

NM_012213.3(MLYCD):c.904G>A (p.Glu302Lys)

Genes: MLYCD (malonyl-CoA decarboxylase; plus strand), LOC126862422 (CDK7 strongly-dependent group 2 enhancer GRCh37_chr16:83945234-83946433; plus strand). Cytogenetic location: 16q23.3.
Variant type: single nucleotide variant.
Coding change: c.904G>A on transcript NM_012213.3 (MANE Select); coding-DNA position 904, G replaced by A.
Protein change: p.Glu302Lys; replaces glutamic acid 302 with lysine.
Molecular consequence: missense variant.
Genome position (GRCh38, 1-based): chr16:83,912,323, G>A. VCF-style: chr16-83912323-G-A. GRCh37 (hg19) VCF-style: chr16-83945928-G-A.
Other names: short protein forms E302K.
Identifiers: ClinVar variation 2106817 (VCV002106817.4), dbSNP rs1391542291, ClinGen allele CA396919339.
Genomic context (GRCh38, chr16:83,912,323, plus strand): 5'-AAAATCACTGCTGCGATCTTTTATTCCATCAGCTTGACCCAGCAGGGACTCCAAGGGGTG[G>A]AGCTGGGAACATTCCTCATAAAGCGAGTCGTCAAGGAGTTGCAGGTAAGCGACACGCAGG-3'
Protein context (NP_036345.2, residues 292-312): SLTQQGLQGV[Glu302Lys]LGTFLIKRVV

ClinVar aggregate classification (germline): Uncertain significance (1 of 4 stars; one submission).

Conditions:
Deficiency of malonyl-CoA decarboxylase. Also called: Malonic aciduria; MCD deficiency. Identifiers: Orphanet 943, MedGen C0342793, MONDO:0009556, OMIM 248360.

Allele frequency attached by ClinVar (database versions not stated): gnomAD exomes below 0.00001.
gnomAD v4.1: 5 of 1,614,086 alleles (0.00031%); highest among the groups gnomAD compares: Admixed American, 0.0017%; no homozygotes.

Submission:

Labcorp Genetics (formerly Invitae), Labcorp
Classification: Uncertain significance for Deficiency of malonyl-CoA decarboxylase. Last evaluated: 2023-08-10. Review status: criteria provided, single submitter. Criteria: Invitae Variant Classification Sherloc (09022015). Collection method: clinical testing. Allele origin: germline.
Comment: An algorithm developed to predict the effect of missense changes on protein structure and function (PolyPhen-2) suggests that this variant is likely to be disruptive. ClinVar contains an entry for this variant (Variation ID: 2106817). This variant has not been reported in the literature in individuals affected with MLYCD-related conditions. This variant is not present in population databases (gnomAD no frequency). This sequence change replaces glutamic acid, which is acidic and polar, with lysine, which is basic and polar, at codon 302 of the MLYCD protein (p.Glu302Lys). In summary, the available evidence is currently insufficient to determine the role of this variant in disease. Therefore, it has been classified as a Variant of Uncertain Significance.